The following is an entry in ClinVar:

NM_000051.4(ATM):c.7630-17T>C

Genes: ATM (ATM serine/threonine kinase; plus strand), C11orf65 (chromosome 11 open reading frame 65; minus strand). Cytogenetic location: 11q22.3.
Variant type: single nucleotide variant.
Coding change: c.7630-17T>C on transcript NM_000051.4 (MANE Select); 17 bases into the intron before coding-DNA position 7630, T replaced by C.
Molecular consequence: intron variant.
Genome position (GRCh38, 1-based): chr11:108,331,862, T>C. VCF-style: chr11-108331862-T-C. GRCh37 (hg19) VCF-style: chr11-108202589-T-C.
Other names: c.7630-17T>C (NM_001351834.2); c.641-22791A>G (NM_001330368.2); c.*38+3358A>G (NM_001351110.2).
Identifiers: ClinVar variation 136431 (VCV000136431.31), dbSNP rs116047570, ClinGen allele CA289523.

ClinVar aggregate classification (germline): Benign/Likely benign. Review status: criteria provided, multiple submitters, no conflicts (2 of 4 stars). 13 submissions from 13 submitters: Benign (8); Likely benign (4). 1 of the submissions does not count toward it. Last evaluated 2026-02-03.

Conditions:
Breast and/or ovarian cancer. Identifiers: MedGen CN221562.
Hereditary cancer-predisposing syndrome. Also called: Neoplastic Syndromes, Hereditary; Hereditary Cancer Syndrome; Tumor predisposition; Hereditary neoplastic syndrome. Identifiers: Orphanet 140162, MedGen C0027672, MeSH D009386, MONDO:0015356.
Hereditary breast ovarian cancer syndrome. Also called: BRCA1- and BRCA2-Associated Hereditary Breast and Ovarian Cancer; Hereditary breast and ovarian cancer syndrome; Hereditary breast and ovarian cancer syndrome (HBOC); Hereditary breast and/or ovarian cancer syndrome; Hereditary breast and ovarian cancer; Breast and ovarian cancer. Identifiers: Orphanet 145, MedGen C0677776, MeSH D061325, MONDO:0003582. Disease mechanism: loss of function.
Ataxia-telangiectasia syndrome (AT). Also called: Ataxia-telangiectasia, complementation group D; AT, COMPLEMENTATION GROUP C; Ataxia-telangiectasia; ATAXIA-TELANGIECTASIA, COMPLEMENTATION GROUP A; ATAXIA-TELANGIECTASIA, FRESNO VARIANT; Ataxia-telangiectasia, complementation group E. Identifiers: Orphanet 100, MedGen C0004135, MONDO:0008840, OMIM 208900.
Familial cancer of breast. Also called: BREAST CANCER, FAMILIAL; hereditary breast carcinoma; Hereditary breast cancer. Identifiers: Orphanet 227535, MedGen C0346153, MONDO:0016419, OMIM 114480. Disease mechanism: loss of function.

Allele frequency attached by ClinVar (database versions not stated): gnomAD exomes 0.00021 and 0.00077; gnomAD 0.00268 and 0.00259; ExAC 0.00088; ESP Exome Variant Server 0.00262; 1000 Genomes Project 0.00459; 1000 Genomes Project 30x 0.00437; TOPMed 0.00241.
gnomAD v4.1: 730 of 1,611,998 alleles (0.045%); highest among the groups gnomAD compares: African/African-American, 0.79%; 4 homozygotes.

Submissions (13):

Labcorp Genetics (formerly Invitae), Labcorp
Classification: Benign for Ataxia-telangiectasia syndrome. Last evaluated: 2026-02-03. Review status: criteria provided, single submitter. Criteria: Invitae Variant Classification Sherloc (09022015). Collection method: clinical testing. Allele origin: germline.

Center for Genomic Medicine, Rigshospitalet, Copenhagen University Hospital
Classification: Benign. Last evaluated: 2025-12-29. Review status: criteria provided, single submitter. Criteria: ACMG Guidelines, 2015. Collection method: clinical testing. Allele origin: germline.
Comment: Classification criteria: BA1

Blueprint Genetics
Classification: Likely benign. Last evaluated: 2024-11-21. Review status: criteria provided, single submitter. Criteria: ACMG Guidelines, 2015. Collection method: clinical testing. Allele origin: germline.

ARUP Laboratories, Molecular Genetics and Genomics, ARUP Laboratories
Classification: Likely benign. Last evaluated: 2024-10-10. Review status: criteria provided, single submitter. Criteria: ARUP Molecular Germline Variant Investigation Process 2024. Collection method: clinical testing. Allele origin: germline.

Myriad Genetics, Inc.
Classification: Benign for Familial cancer of breast. Last evaluated: 2024-06-14. Review status: criteria provided, single submitter. Criteria: Myriad Autosomal Dominant, Autosomal Recessive and X-Linked Classification Criteria (2023). Collection method: clinical testing. Allele origin: unknown.
Comment: This variant is considered benign. This variant is intronic and is not expected to impact mRNA splicing. This variant is strongly associated with less severe personal and family histories of cancer, typical for individuals without pathogenic variants in this gene [PMID: 25085752]. This variant has been observed at a population frequency that is significantly greater than expected given the associated disease prevalence and penetrance.

KCCC/NGS Laboratory, Kuwait Cancer Control Center
Classification: Benign for Familial cancer of breast. Last evaluated: 2023-07-07. Review status: criteria provided, single submitter. Criteria: ACMG Guidelines, 2015. Collection method: clinical testing. Allele origin: germline. Affected: yes.

CHEO Genetics Diagnostic Laboratory, Children's Hospital of Eastern Ontario
Classification: Likely benign for Breast and/or ovarian cancer. Last evaluated: 2023-06-29. Review status: criteria provided, single submitter. Criteria: ACMG Guidelines, 2015. Collection method: clinical testing. Allele origin: germline.

National Health Laboratory Service, Universitas Academic Hospital and University of the Free State
Classification: Benign for Hereditary breast ovarian cancer syndrome. Last evaluated: 2022-04-19. Review status: criteria provided, single submitter. Criteria: ACMG Guidelines, 2015. Collection method: clinical testing. Allele origin: germline. Affected: yes. Observed: 11 variant alleles.

PreventionGenetics, part of Exact Sciences
Classification: Benign. Last evaluated: 2017-10-05. Review status: criteria provided, single submitter. Criteria: ACMG Guidelines, 2015. Collection method: clinical testing. Allele origin: germline.

Ambry Genetics
Classification: Likely benign for Hereditary cancer-predisposing syndrome. Last evaluated: 2016-02-10. Review status: criteria provided, single submitter. Criteria: Ambry Variant Classification Scheme 2023. Collection method: clinical testing. Allele origin: germline.

Color Diagnostics, LLC DBA Color Health
Classification: Benign for Hereditary cancer-predisposing syndrome. Last evaluated: 2015-04-26. Review status: criteria provided, single submitter. Criteria: ACMG Guidelines, 2015. Collection method: clinical testing. Allele origin: germline.

GeneDx
Classification: Benign. Last evaluated: 2014-01-08. Review status: criteria provided, single submitter. Criteria: GeneDx Variant Classification (06012015). Collection method: clinical testing. Allele origin: germline. Affected: yes.
Comment: This variant is considered likely benign or benign based on one or more of the following criteria: it is a conservative change, it occurs at a poorly conserved position in the protein, it is predicted to be benign by multiple in silico algorithms, and/or has population frequency not consistent with disease.

University of Washington Department of Laboratory Medicine, University of Washington
Classification: Likely benign for Hereditary cancer-predisposing syndrome. Last evaluated: 2015-12-01. Review status: no assertion criteria provided. Collection method: clinical testing. Allele origin: germline. Affected: yes. Not counted in ClinVar's aggregate classification.

Literature cited by the submitters: PubMed 25085752 (cited by Myriad Genetics, Inc.).